The following is an entry in ClinVar:

NM_000051.4(ATM):c.2135C>G (p.Ser712Ter)

Gene: ATM (ATM serine/threonine kinase; plus strand). Cytogenetic location: 11q22.3.
Variant type: single nucleotide variant.
Coding change: c.2135C>G on transcript NM_000051.4 (MANE Select); coding-DNA position 2135, C replaced by G.
Protein change: p.Ser712Ter; replaces serine 712 with a stop codon.
Molecular consequence: nonsense.
Genome position (GRCh38, 1-based): chr11:108,256,225, C>G. VCF-style: chr11-108256225-C-G. GRCh37 (hg19) VCF-style: chr11-108126952-C-G.
Other names: c.2135C>G, p.Ser712Ter (NM_001351834.2); short protein forms S712*.
Identifiers: ClinVar variation 370600 (VCV000370600.10), dbSNP rs1057516620, ClinGen allele CA16041389.

ClinVar aggregate classification (germline): Pathogenic. Review status: criteria provided, multiple submitters, no conflicts (2 of 4 stars). 3 submissions from 3 submitters: Pathogenic (2). 1 of the submissions does not count toward it. Last evaluated 2023-08-04.
ClinVar aggregate classification (oncogenicity): Oncogenic (1 of 4 stars; one submission).

Conditions:
Hereditary cancer-predisposing syndrome. Also called: Tumor predisposition; Hereditary Cancer Syndrome; Hereditary neoplastic syndrome; Neoplastic Syndromes, Hereditary. Identifiers: Orphanet 140162, MedGen C0027672, MeSH D009386, MONDO:0015356.
Ataxia-telangiectasia syndrome (AT). Also called: ATAXIA-TELANGIECTASIA, COMPLEMENTATION GROUP A; ATAXIA-TELANGIECTASIA, FRESNO VARIANT; Ataxia-telangiectasia; Ataxia telangiectasia (A-T); Cerebello-oculocutaneous telangiectasia; Immunodeficiency with ataxia telangiectasia. Identifiers: Orphanet 100, MedGen C0004135, MONDO:0008840, OMIM 208900.
Neoplasm. Also called: tumor; Neoplasms; Neoplasm (disease). Identifiers: MedGen C0027651, MeSH D009369, MONDO:0005070, HP:0002664.

Allele frequency attached by ClinVar (database versions not stated): gnomAD exomes below 0.00001.
gnomAD v4.1: 1 of 1,604,464 alleles (0.000062%); highest among the groups gnomAD compares: Non-Finnish European, 0.000085%; no homozygotes.

Submissions (4):

Center for Genomic Medicine, Rigshospitalet, Copenhagen University Hospital
Classification: Oncogenic for Neoplasm. Last evaluated: 2025-03-04. Review status: criteria provided, single submitter. Criteria: ClinGen/CGC/VICC Guidelines for Oncogenicity, 2022. Collection method: clinical testing. Allele origin: somatic. Affected: yes.

Labcorp Genetics (formerly Invitae), Labcorp
Classification: Pathogenic for Ataxia-telangiectasia syndrome. Last evaluated: 2023-08-04. Review status: criteria provided, single submitter. Criteria: Invitae Variant Classification Sherloc (09022015). Collection method: clinical testing. Allele origin: germline.
Comment: For these reasons, this variant has been classified as Pathogenic. ClinVar contains an entry for this variant (Variation ID: 370600). This premature translational stop signal has been observed in individual(s) with ATM-related conditions (PMID: 21665257, 33919281). This variant is not present in population databases (gnomAD no frequency). This sequence change creates a premature translational stop signal (p.Ser712*) in the ATM gene. It is expected to result in an absent or disrupted protein product. Loss-of-function variants in ATM are known to be pathogenic (PMID: 23807571, 25614872).

Ambry Genetics
Classification: Pathogenic for Hereditary cancer-predisposing syndrome. Last evaluated: 2020-05-28. Review status: criteria provided, single submitter. Criteria: Ambry Variant Classification Scheme 2023. Collection method: clinical testing. Allele origin: germline.
Comment: The p.S712* variant (also known as c.2135C>G), located in coding exon 13 of the ATM gene, results from a C to G substitution at nucleotide position 2135. This changes the amino acid from a serine to a stop codon within coding exon 13. This alteration has been reported in a homozygous state in an individual with Ataxia-Telangiectasia (AT) (Berland A et al. J. Allergy Clin. Immunol., 2019 01;143:325-334.e2). This alteration is expected to result in loss of function by premature protein truncation or nonsense-mediated mRNA decay. As such, this alteration is interpreted as a disease-causing mutation.

Counsyl
Classification: Likely pathogenic for Ataxia-telangiectasia syndrome. Last evaluated: 2016-03-07. Review status: no assertion criteria provided. Collection method: clinical testing. Allele origin: unknown. Not counted in ClinVar's aggregate classification.

Literature cited by the submitters: PubMed 23585524 (cited by Center for Genomic Medicine, Rigshospitalet, Copenhagen University Hospital); PubMed 21665257 (cited by Labcorp Genetics (formerly Invitae), Labcorp and Counsyl); PubMed 33919281 (cited by Labcorp Genetics (formerly Invitae), Labcorp); PubMed 23807571 (cited by Labcorp Genetics (formerly Invitae), Labcorp); PubMed 25614872 (cited by Labcorp Genetics (formerly Invitae), Labcorp); PubMed 29906526 (cited by Ambry Genetics).